The following is an entry in ClinVar:

ClinVar aggregate classification (germline): Uncertain significance. Review status: criteria provided, multiple submitters, no conflicts (2 of 4 stars). 4 submissions from 4 submitters: Uncertain significance (4). Last evaluated 2024-05-06.

Conditions:
Hereditary cancer-predisposing syndrome. Also called: Neoplastic Syndromes, Hereditary; Hereditary neoplastic syndrome; Tumor predisposition; Hereditary Cancer Syndrome. Identifiers: Orphanet 140162, MedGen C0027672, MeSH D009386, MONDO:0015356.

Allele frequency attached by ClinVar (database versions not stated): gnomAD 0.00001; gnomAD exomes below 0.00001; TOPMed 0.00001.
gnomAD v4.1: 6 of 1,613,684 alleles (0.00037%); highest among the groups gnomAD compares: Non-Finnish European, 0.00051%; no homozygotes.

Submissions (4):

Ambry Genetics
Classification: Uncertain significance for Hereditary cancer-predisposing syndrome. Last evaluated: 2024-05-06. Review status: criteria provided, single submitter. Criteria: Ambry Variant Classification Scheme 2023. Collection method: clinical testing. Allele origin: germline.
Comment: The c.-4G>A variant is located in the 5' untranslated region (5&rsquo; UTR) of the MUTYH gene. This variant results from a G to A substitution 4 bases upstream from the first translated codon. This nucleotide position is not well conserved in available vertebrate species. Based on the available evidence, the clinical significance of this variant remains unclear.

Color Diagnostics, LLC DBA Color Health
Classification: Uncertain significance for Hereditary cancer-predisposing syndrome. Last evaluated: 2023-03-22. Review status: criteria provided, single submitter. Criteria: ACMG Guidelines, 2015. Collection method: clinical testing. Allele origin: germline.
Comment: This variant causes an G to A nucleotide substitution at the -4 position in the 5' untranslated region in the MUTYH gene. To our knowledge, functional studies have not been reported for this variant. This variant has not been reported in individuals affected with MUTYH-related disorders in the literature. This variant has been identified in 1/249050 chromosomes in the general population by the Genome Aggregation Database (gnomAD). The available evidence is insufficient to determine the role of this variant in disease conclusively. Therefore, this variant is classified as a Variant of Uncertain Significance.

Women's Health and Genetics/Laboratory Corporation of America, LabCorp
Classification: Uncertain significance. Last evaluated: 2019-09-12. Review status: criteria provided, single submitter. Criteria: LabCorp Variant Classification Summary - May 2015. Collection method: clinical testing. Allele origin: germline.
Comment: Variant summary: MUTYH c.-4G>A is located in the untranslated mRNA region upstream of the initiation codon. The variant allele was found at a frequency of 4e-06 in 249050 control chromosomes. The available data on variant occurrences in the general population are insufficient to allow any conclusion about variant significance. To our knowledge, no occurrence of c.-4G>A in individuals affected with MUTYH-associated Polyposis and no experimental evidence demonstrating its impact on protein function have been reported. Two clinical diagnostic laboratories have submitted clinical-significance assessments for this variant to ClinVar (evaluation after 2014) and cited the variant as uncertain significance. Based on the evidence outlined above, the variant was classified as uncertain significance.

GeneDx
Classification: Uncertain significance. Last evaluated: 2019-07-22. Review status: criteria provided, single submitter. Criteria: GeneDx Variant Classification Process June 2021. Collection method: clinical testing. Allele origin: germline. Affected: yes.
Comment: Not observed at a significant frequency in large population cohorts (Lek 2016); Nucleotide substitution has no predicted effect on splicing and is not conserved across species; Has not been previously published as pathogenic or benign to our knowledge; Describes a nucleotide substitution 4 base pairs upstream of the ATG translational start site of the MUTYH gene, occurring in the Kozak sequence, the conserved nucleotides just upstream of the ATG start codon, which play a major role in the initiation of translation

NM_001128425.2(MUTYH):c.-4G>A

Genes: MUTYH (mutY DNA glycosylase; minus strand), TOE1 (target of EGR1, exonuclease; plus strand). Cytogenetic location: 1p34.1.
Variant type: single nucleotide variant.
Coding change: c.-4G>A on transcript NM_001128425.2 (MANE Plus Clinical); 4 bases upstream of the start codon, G replaced by A.
Molecular consequence: 5 prime UTR variant. On other transcripts: synonymous variant (1), non-coding transcript variant (3).
Genome position (GRCh38, 1-based): chr1:45,340,258, C>T on the plus strand (G>A on the coding strand, the complement: MUTYH is on the minus strand). VCF-style: chr1-45340258-C-T. GRCh37 (hg19) VCF-style: chr1-45805930-C-T.
Other names: c.6C>T, p.Ala2= (NM_025077.4); c.-46G>A (NM_001048171.2); c.-4G>A (NM_001293190.2, NM_001407069.1, NM_001407073.1 and 1 more transcripts); c.-258G>A (NM_001293192.2); c.-317G>A (NM_001350650.2); c.-253G>A (NM_001350651.2); c.-62G>A (NM_001407070.1, NM_001407071.1); c.-42G>A (NM_001407072.1).
Identifiers: ClinVar variation 231593 (VCV000231593.12), dbSNP rs876659248, ClinGen allele CA10577759.